The following is an entry in ClinVar:

NM_001170535.3(ATAD3A):c.370C>T (p.Arg124Trp)

Gene: ATAD3A (ATPase family AAA domain containing 3A; plus strand). Cytogenetic location: 1p36.33.
Variant type: single nucleotide variant.
Coding change: c.370C>T on transcript NM_001170535.3 (MANE Select); coding-DNA position 370, C replaced by T.
Protein change: p.Arg124Trp; replaces arginine 124 with tryptophan.
Molecular consequence: missense variant.
Genome position (GRCh38, 1-based): chr1:1,517,398, C>T. VCF-style: chr1-1517398-C-T. GRCh37 (hg19) VCF-style: chr1-1452778-C-T.
Other names: c.133C>T, p.Arg45Trp (NM_001170536.3); c.514C>T, p.Arg172Trp (NM_018188.5); short protein forms R124W, R172W, R45W.
Identifiers: ClinVar variation 3359917 (VCV003359917.1).

ClinVar aggregate classification (germline): Uncertain significance (1 of 4 stars; one submission).

Submission:

GeneDx
Classification: Uncertain significance. Last evaluated: 2023-06-15. Review status: criteria provided, single submitter. Criteria: GeneDx Variant Classification Process June 2021. Collection method: clinical testing. Allele origin: germline. Affected: yes.
Comment: In silico analysis supports that this missense variant has a deleterious effect on protein structure/function; Has not been previously published as pathogenic or benign to our knowledge